The following is an entry in ClinVar:

NM_005357.4(LIPE):c.1291C>T (p.Arg431Cys)

Genes: LIPE (lipase E, hormone sensitive type; minus strand), LIPE-AS1 (LIPE antisense RNA 1; plus strand). Cytogenetic location: 19q13.2.
Variant type: single nucleotide variant.
Coding change: c.1291C>T on transcript NM_005357.4 (MANE Select); coding-DNA position 1291, C replaced by T.
Protein change: p.Arg431Cys; replaces arginine 431 with cysteine.
Molecular consequence: missense variant.
Genome position (GRCh38, 1-based): chr19:42,410,435, G>A on the plus strand (C>T on the coding strand, the complement: LIPE is on the minus strand). VCF-style: chr19-42410435-G-A. GRCh37 (hg19) VCF-style: chr19-42914587-G-A.
Other names: c.1291C>T (NM_005357.2); short protein forms R431C.
Identifiers: ClinVar variation 1049872 (VCV001049872.2), dbSNP rs142402894, ClinGen allele CA9477088.

ClinVar aggregate classification (germline): Uncertain significance. Review status: criteria provided, single submitter (1 of 4 stars). 2 submissions from 2 submitters: Uncertain significance (1). 1 of the submissions does not count toward it. Last evaluated 2026-03-23.

Conditions:
Inborn genetic diseases. Identifiers: MedGen C0950123, MeSH D030342.

Allele frequency attached by ClinVar (database versions not stated): gnomAD 0.00003 and 0.00004; ESP Exome Variant Server 0.00008; 1000 Genomes Project 30x 0.00031; 1000 Genomes Project 0.00040; gnomAD exomes 0.00001; TOPMed 0.00002.
gnomAD v4.1: 18 of 1,614,194 alleles (0.0011%); highest among the groups gnomAD compares: African/African-American, 0.012%; no homozygotes.

Submissions (2):

Ambry Genetics
Classification: Uncertain significance for Inborn genetic diseases. Last evaluated: 2026-03-23. Review status: criteria provided, single submitter. Criteria: Ambry Variant Classification Scheme 2023. Collection method: clinical testing. Allele origin: germline.

Department of Pathology and Laboratory Medicine, Sinai Health System
Classification: Uncertain significance. Review status: no assertion criteria provided. Collection method: clinical testing. Allele origin: unknown. Affected: yes. Study: The Canadian Open Genetics Repository (COGR). Not counted in ClinVar's aggregate classification.
Comment: The LIPE p.Arg431Cys variant was not identified in the literature nor was it identified in ClinVar, Cosmic or LOVD 3.0. The variant was identified in dbSNP (ID: rs142402894) and was also found in control databases in 6 of 282378 chromosomes at a frequency of 0.000021 (Genome Aggregation Database Feb 27, 2017). The variant was observed in the African population in 6 of 24868 chromosomes (freq: 0.000241), while the variant was not observed in the Latino, Ashkenazi Jewish, East Asian, European (Finnish), European (non-Finnish), Other and South Asian populations. The variant occurs outside of the splicing consensus sequence and in silico or computational prediction software programs (SpliceSiteFinder, MaxEntScan, NNSPLICE, GeneSplicer) do not predict a difference in splicing.The p.Arg431 residue is conserved in mammals but not in more distantly related organisms, and four out of five computational analyses (PolyPhen-2, SIFT, BLOSUM, MutationTaster) suggest that the variant may impact the protein; however, this information is not predictive enough to assume pathogenicity. In summary, based on the above information the clinical significance of this variant cannot be determined with certainty at this time. This variant is classified as a variant of uncertain significance.